The following is an entry in ClinVar:

NM_000465.4(BARD1):c.1257T>C (p.Asn419=)

Gene: BARD1 (BRCA1 associated RING domain 1; minus strand). Cytogenetic location: 2q35.
Variant type: single nucleotide variant.
Coding change: c.1257T>C on transcript NM_000465.4 (MANE Select); coding-DNA position 1257, T replaced by C.
Protein change: p.Asn419=; no amino-acid change (asparagine 419 retained).
Molecular consequence: synonymous variant. On other transcripts: non-coding transcript variant (2), intron variant (3).
Genome position (GRCh38, 1-based): chr2:214,780,617, A>G on the plus strand (T>C on the coding strand, the complement: BARD1 is on the minus strand). VCF-style: chr2-214780617-A-G. GRCh37 (hg19) VCF-style: chr2-215645341-A-G.
Other names: c.1200T>C, p.Asn400= (NM_001282543.2); c.159-28062T>C (NM_001282548.2); c.215+16444T>C (NM_001282545.2); c.364+11680T>C (NM_001282549.2).
Identifiers: ClinVar variation 1171950 (VCV001171950.3), dbSNP rs1574816237, ClinGen allele CA431391220.

ClinVar aggregate classification (germline): Benign/Likely benign. Review status: criteria provided, multiple submitters, no conflicts (2 of 4 stars). 2 submissions from 2 submitters: Benign (1); Likely benign (1). Last evaluated 2024-07-24.

Conditions:
Familial cancer of breast. Also called: hereditary breast carcinoma; Hereditary breast cancer; BREAST CANCER, FAMILIAL. Identifiers: Orphanet 227535, MedGen C0346153, MONDO:0016419, OMIM 114480. Disease mechanism: loss of function.
Hereditary cancer-predisposing syndrome. Also called: Tumor predisposition; Hereditary neoplastic syndrome; Hereditary Cancer Syndrome; Neoplastic Syndromes, Hereditary. Identifiers: Orphanet 140162, MedGen C0027672, MeSH D009386, MONDO:0015356.

Allele frequency attached by ClinVar (database versions not stated): gnomAD exomes below 0.00001.
gnomAD v4.1: 1 of 1,614,090 alleles (0.000062%); highest among the groups gnomAD compares: Non-Finnish European, 0.000085%; no homozygotes.

Submissions (2):

Myriad Genetics, Inc.
Classification: Benign for Familial cancer of breast. Last evaluated: 2024-07-24. Review status: criteria provided, single submitter. Criteria: Myriad Autosomal Dominant, Autosomal Recessive and X-Linked Classification Criteria (2023). Collection method: clinical testing. Allele origin: unknown.
Comment: This variant is considered benign. This variant is a silent/synonymous amino acid change and it is not expected to impact splicing.

Color Diagnostics, LLC DBA Color Health
Classification: Likely benign for Hereditary cancer-predisposing syndrome. Last evaluated: 2020-09-15. Review status: criteria provided, single submitter. Criteria: ACMG Guidelines, 2015. Collection method: clinical testing. Allele origin: germline.